The following is an entry in ClinVar:

NM_000548.5(TSC2):c.2221-8G>C

Gene: TSC2 (TSC complex subunit 2; plus strand). Cytogenetic location: 16p13.3.
Variant type: single nucleotide variant.
Coding change: c.2221-8G>C on transcript NM_000548.5 (MANE Select); 8 bases into the intron before coding-DNA position 2221, G replaced by C.
Molecular consequence: intron variant.
Genome position (GRCh38, 1-based): chr16:2,072,841, G>C. VCF-style: chr16-2072841-G-C. GRCh37 (hg19) VCF-style: chr16-2122842-G-C.
Other names: c.2221-8G>C (NM_001114382.3, NM_021055.3, NM_001370405.1 and 3 more transcripts); c.2110-8G>C (NM_001318827.2); c.1621-8G>C (NM_001318831.2); c.2074-8G>C (NM_001318829.2); c.2254-8G>C (NM_001318832.2).
Identifiers: ClinVar variation 1106644 (VCV001106644.11), dbSNP rs768919244, ClinGen allele CA037641.

ClinVar aggregate classification (germline): Benign/Likely benign. Review status: criteria provided, multiple submitters, no conflicts (2 of 4 stars). 3 submissions from 3 submitters: Benign (1); Likely benign (2). Last evaluated 2026-09-01.

Conditions:
Tuberous sclerosis 2 (TSC2). Identifiers: Orphanet 805, MedGen C1860707, MONDO:0013199, OMIM 613254.

Allele frequency attached by ClinVar (database versions not stated): TOPMed below 0.00001; gnomAD exomes 0.00001 and 0.00002; ExAC 0.00002.
gnomAD v4.1: 9 of 1,613,482 alleles (0.00056%); highest among the groups gnomAD compares: South Asian, 0.0077%; no homozygotes.

Submissions (3):

CeGaT Center for Human Genetics Tuebingen
Classification: Likely benign. Last evaluated: 2026-09-01. Review status: criteria provided, single submitter. Criteria: CeGaT Center For Human Genetics Tuebingen Variant Classification Criteria Version 2. Collection method: clinical testing. Allele origin: germline. Affected: yes. Observed: 1 variant allele.
Comment: TSC2: BP4

Labcorp Genetics (formerly Invitae), Labcorp
Classification: Likely benign for Tuberous sclerosis 2. Last evaluated: 2025-10-21. Review status: criteria provided, single submitter. Criteria: Invitae Variant Classification Sherloc (09022015). Collection method: clinical testing. Allele origin: germline.

Myriad Genetics, Inc.
Classification: Benign for Tuberous sclerosis 2. Last evaluated: 2024-09-09. Review status: criteria provided, single submitter. Criteria: Myriad Autosomal Dominant, Autosomal Recessive and X-Linked Classification Criteria (2023). Collection method: clinical testing. Allele origin: unknown.
Comment: This variant is considered benign. This variant is intronic and is not expected to impact mRNA splicing. This variant has been observed at a population frequency that is significantly greater than expected given the associated disease prevalence and penetrance.